The following is an entry in ClinVar:

ClinVar aggregate classification (germline): Uncertain significance (1 of 4 stars; one submission).

Submission:

GeneDx
Classification: Uncertain significance. Last evaluated: 2025-07-30. Review status: criteria provided, single submitter. Criteria: GeneDx Variant Classification Process June 2021. Collection method: clinical testing. Allele origin: germline. Affected: yes.
Comment: Not observed at significant frequency in large population cohorts (gnomAD); In silico analysis suggests that this missense variant does not alter protein structure/function; Has not been previously published as pathogenic or benign to our knowledge

NM_001659.3(ARF3):c.415A>G (p.Ile139Val)

Gene: ARF3 (ARF GTPase 3; minus strand). Cytogenetic location: 12q13.12.
Variant type: single nucleotide variant.
Coding change: c.415A>G on transcript NM_001659.3 (MANE Select); coding-DNA position 415, A replaced by G.
Protein change: p.Ile139Val; replaces isoleucine 139 with valine.
Molecular consequence: missense variant.
Genome position (GRCh38, 1-based): chr12:48,939,078, T>C on the plus strand (A>G on the coding strand, the complement: ARF3 is on the minus strand). VCF-style: chr12-48939078-T-C. GRCh37 (hg19) VCF-style: chr12-49332861-T-C.
Other names: c.415A>G, p.Ile139Val (NM_001412914.1, NM_001412915.1, NM_001412916.1 and 6 more transcripts); c.304A>G, p.Ile102Val (NM_001412932.1); short protein forms I102V, I139V.
Identifiers: ClinVar variation 3372813 (VCV003372813.2).